The following is an entry in ClinVar:

NM_021831.6(AGBL5):c.1801C>T (p.Arg601Ter)

Gene: AGBL5 (AGBL carboxypeptidase 5; plus strand). Cytogenetic location: 2p23.3.
Variant type: single nucleotide variant.
Coding change: c.1801C>T on transcript NM_021831.6 (MANE Select); coding-DNA position 1801, C replaced by T.
Protein change: p.Arg601Ter; replaces arginine 601 with a stop codon.
Molecular consequence: nonsense. On other transcripts: non-coding transcript variant (2).
Genome position (GRCh38, 1-based): chr2:27,058,529, C>T. VCF-style: chr2-27058529-C-T. GRCh37 (hg19) VCF-style: chr2-27281397-C-T.
Other names: c.1801C>T, p.Arg601Ter (NM_001035506.1, NM_001035507.3); short protein forms R601*.
Identifiers: ClinVar variation 3027085 (VCV003027085.22), dbSNP rs1452755931, ClinGen allele CA346186767.

ClinVar aggregate classification (germline): Pathogenic (1 of 4 stars; one submission).

Allele frequency attached by ClinVar (database versions not stated): gnomAD 0.00001; TOPMed 0.00001.
gnomAD v4.1: 4 of 1,614,034 alleles (0.00025%); highest among the groups gnomAD compares: South Asian, 0.0011%; no homozygotes.

Submission:

CeGaT Center for Human Genetics Tuebingen
Classification: Pathogenic. Last evaluated: 2024-02-01. Review status: criteria provided, single submitter. Criteria: CeGaT Center For Human Genetics Tuebingen Variant Classification Criteria Version 2. Collection method: clinical testing. Allele origin: germline. Affected: yes. Observed: 1 variant allele.
Comment: AGBL5: PVS1, PM2